The following is an entry in ClinVar:

ClinVar aggregate classification (germline): Uncertain significance (1 of 4 stars; one submission).

Conditions:
Developmental and epileptic encephalopathy, 36 (DEE36). Also called: Congenital disorder of glycosylation, type Is; Epileptic encephalopathy, early infantile, 36; ALG13-CDG. Identifiers: Orphanet 324422, MedGen C4317295, MONDO:0010472, OMIM 300884.

gnomAD v4.1: 12 of 1,208,181 alleles (0.00099%); highest among the groups gnomAD compares: Non-Finnish European, 0.0012%; no homozygotes.

Submission:

Labcorp Genetics (formerly Invitae), Labcorp
Classification: Uncertain significance for Developmental and epileptic encephalopathy, 36. Last evaluated: 2022-03-19. Review status: criteria provided, single submitter. Criteria: Invitae Variant Classification Sherloc (09022015). Collection method: clinical testing. Allele origin: germline.
Comment: In summary, the available evidence is currently insufficient to determine the role of this variant in disease. Therefore, it has been classified as a Variant of Uncertain Significance. Algorithms developed to predict the effect of missense changes on protein structure and function output the following: SIFT: "Tolerated"; PolyPhen-2: "Benign"; Align-GVGD: "Class C0". The asparagine amino acid residue is found in multiple mammalian species, which suggests that this missense change does not adversely affect protein function. This variant has not been reported in the literature in individuals affected with ALG13-related conditions. This variant is not present in population databases (gnomAD no frequency). This sequence change replaces serine, which is neutral and polar, with asparagine, which is neutral and polar, at codon 971 of the ALG13 protein (p.Ser971Asn).

NM_001099922.3(ALG13):c.2912G>A (p.Ser971Asn)

Gene: ALG13 (ALG13 UDP-N-acetylglucosaminyltransferase subunit; plus strand). Cytogenetic location: Xq23.
Variant type: single nucleotide variant.
Coding change: c.2912G>A on transcript NM_001099922.3 (MANE Select); coding-DNA position 2912, G replaced by A.
Protein change: p.Ser971Asn; replaces serine 971 with asparagine.
Molecular consequence: missense variant. On other transcripts: intron variant (5).
Genome position (GRCh38, 1-based): chrX:111,744,884, G>A. VCF-style: chrX-111744884-G-A. GRCh37 (hg19) VCF-style: chrX-110988112-G-A.
Other names: c.2678G>A, p.Ser893Asn (NM_001257231.2); c.2384-7906G>A (NM_001257237.2, NM_001257234.2, NM_001257230.2); c.2210-7906G>A (NM_001324293.1); c.2696-7906G>A (NM_001324292.2); short protein forms S893N, S971N.
Identifiers: ClinVar variation 1390700 (VCV001390700.6), dbSNP rs2148407042, ClinGen allele CA414291765.